The following is an entry in ClinVar:

NM_000755.5(CRAT):c.1553G>A (p.Arg518Gln)

Gene: CRAT (carnitine O-acetyltransferase; minus strand). Cytogenetic location: 9q34.11.
Variant type: single nucleotide variant.
Coding change: c.1553G>A on transcript NM_000755.5 (MANE Select); coding-DNA position 1553, G replaced by A.
Protein change: p.Arg518Gln; replaces arginine 518 with glutamine.
Molecular consequence: missense variant.
Genome position (GRCh38, 1-based): chr9:129,096,110, C>T on the plus strand (G>A on the coding strand, the complement: CRAT is on the minus strand). VCF-style: chr9-129096110-C-T. GRCh37 (hg19) VCF-style: chr9-131858389-C-T.
Other names: c.1490G>A, p.Arg497Gln (NM_001257363.3, NM_001346548.2, NM_004003.4); c.1556G>A, p.Arg519Gln (NM_001346546.2); c.1553G>A, p.Arg518Gln (NM_001346547.2); c.1433G>A, p.Arg478Gln (NM_001346549.2); c.1553G>A (NM_000755.3); short protein forms R518Q, R519Q, R478Q, R497Q.
Identifiers: ClinVar variation 2076628 (VCV002076628.5), dbSNP rs767437298, ClinGen allele CA5275317.

ClinVar aggregate classification (germline): Uncertain significance. Review status: criteria provided, multiple submitters, no conflicts (2 of 4 stars). 2 submissions from 2 submitters: Uncertain significance (2). Last evaluated 2025-09-02.

Allele frequency attached by ClinVar (database versions not stated): gnomAD 0.00001; gnomAD exomes 0.00001; ExAC 0.00002; TOPMed 0.00005.

Submissions (2):

Labcorp Genetics (formerly Invitae), Labcorp
Classification: Uncertain significance. Last evaluated: 2025-09-02. Review status: criteria provided, single submitter. Criteria: Invitae Variant Classification Sherloc (09022015). Collection method: clinical testing. Allele origin: germline.
Comment: This sequence change replaces arginine, which is basic and polar, with glutamine, which is neutral and polar, at codon 518 of the CRAT protein (p.Arg518Gln). This variant is present in population databases (rs767437298, gnomAD 0.01%). This variant has not been reported in the literature in individuals affected with CRAT-related conditions. ClinVar contains an entry for this variant (Variation ID: 2076628). Invitae Evidence Modeling of protein sequence and biophysical properties (such as structural, functional, and spatial information, amino acid conservation, physicochemical variation, residue mobility, and thermodynamic stability) indicates that this missense variant is not expected to disrupt CRAT protein function with a negative predictive value of 80%. In summary, the available evidence is currently insufficient to determine the role of this variant in disease. Therefore, it has been classified as a Variant of Uncertain Significance.

Ambry Genetics
Classification: Uncertain significance. Last evaluated: 2024-12-23. Review status: criteria provided, single submitter. Criteria: Ambry Variant Classification Scheme 2023. Collection method: clinical testing. Allele origin: germline.